The following is an entry in ClinVar:

NM_019842.4(KCNQ5):c.1061T>C (p.Val354Ala)

Gene: KCNQ5 (potassium voltage-gated channel subfamily Q member 5; plus strand). Cytogenetic location: 6q13.
Variant type: single nucleotide variant.
Coding change: c.1061T>C on transcript NM_019842.4 (MANE Select); coding-DNA position 1061, T replaced by C.
Protein change: p.Val354Ala; replaces valine 354 with alanine.
Molecular consequence: missense variant.
Genome position (GRCh38, 1-based): chr6:73,111,339, T>C. VCF-style: chr6-73111339-T-C. GRCh37 (hg19) VCF-style: chr6-73821062-T-C.
Other names: c.1061T>C, p.Val354Ala (NM_001160130.2, NM_001160132.2, NM_001160133.2 and 1 more transcripts); short protein forms V354A.
Identifiers: ClinVar variation 4744520 (VCV004744520.1).

ClinVar aggregate classification (germline): Uncertain significance (1 of 4 stars; one submission).

Submission:

Labcorp Genetics (formerly Invitae), Labcorp
Classification: Uncertain significance. Last evaluated: 2025-10-02. Review status: criteria provided, single submitter. Criteria: Invitae Variant Classification Sherloc (09022015). Collection method: clinical testing. Allele origin: germline.
Comment: This sequence change replaces valine, which is neutral and non-polar, with alanine, which is neutral and non-polar, at codon 354 of the KCNQ5 protein (p.Val354Ala). This variant is not present in population databases (gnomAD no frequency). This variant has not been reported in the literature in individuals affected with KCNQ5-related conditions. Invitae Evidence Modeling of protein sequence and biophysical properties (such as structural, functional, and spatial information, amino acid conservation, physicochemical variation, residue mobility, and thermodynamic stability) indicates that this missense variant is expected to disrupt KCNQ5 protein function with a positive predictive value of 80%. In summary, the available evidence is currently insufficient to determine the role of this variant in disease. Therefore, it has been classified as a Variant of Uncertain Significance.